The following is an entry in ClinVar:

NM_000053.4(ATP7B):c.3412+4T>C

Gene: ATP7B (ATPase copper transporting beta; minus strand). Cytogenetic location: 13q14.3.
Variant type: single nucleotide variant.
Coding change: c.3412+4T>C on transcript NM_000053.4 (MANE Select); 4 bases into the intron after coding-DNA position 3412, T replaced by C.
Molecular consequence: intron variant.
Genome position (GRCh38, 1-based): chr13:51,942,382, A>G on the plus strand (T>C on the coding strand, the complement: ATP7B is on the minus strand). VCF-style: chr13-51942382-A-G. GRCh37 (hg19) VCF-style: chr13-52516518-A-G.
Other names: c.2926+4T>C (NM_001406541.1, NM_001406542.1); c.3160+4T>C (NM_001406531.1, NM_001406532.1, NM_001330579.2); c.3178+4T>C (NM_001406527.1, NM_001406528.1, NM_001406538.1 and 1 more transcripts); c.3073+4T>C (NM_001406537.1); c.3268+4T>C (NM_001406521.1, NM_001406522.1, NM_001406520.1); c.3406+4T>C (NM_001406513.1); c.3412+4T>C (NM_001406511.1, NM_001406512.1, NM_001406526.1); c.3064+4T>C (NM_001406543.1); and 19 more.
Identifiers: ClinVar variation 3073535 (VCV003073535.1), dbSNP rs2547611198, ClinGen allele CA2825002204.

ClinVar aggregate classification (germline): Likely benign (1 of 4 stars; one submission).

Conditions:
Wilson disease (WND). Also called: Wilson's disease. Identifiers: Orphanet 905, MedGen C0019202, MONDO:0010200, OMIM 277900. Disease mechanism: loss of function.

Submission:

All of Us Research Program, National Institutes of Health
Classification: Likely benign for Wilson disease. Last evaluated: 2023-10-02. Review status: criteria provided, single submitter. Criteria: ACMG Guidelines, 2015. Collection method: clinical testing. Allele origin: germline. Inheritance: Autosomal recessive inheritance. Observed: 1 variant allele, 1 heterozygote.
Comment: This study involves interpretation of variants in research participants for the purpose of population health screening. Participant phenotype was not available at the time of variant classification. Additional details can be found in publication PMID: 35346344, PMCID: PMC8962531